The following is an entry in ClinVar:

ClinVar aggregate classification (germline): Uncertain significance. Review status: criteria provided, multiple submitters, no conflicts (2 of 4 stars). 4 submissions from 4 submitters: Uncertain significance (4). Last evaluated 2026-07-10.

Conditions:
Nephronophthisis 14 (NPHP14). Identifiers: Orphanet 2318, MedGen C3539071, MONDO:0013916, OMIM 614844.
ZNF423-related disorder. Also called: ZNF423-related condition.

Allele frequency attached by ClinVar (database versions not stated): gnomAD 0.00001 and 0.00002; gnomAD exomes 0.00002 and 0.00003; TOPMed 0.00002.
gnomAD v4.1: 53 of 1,613,852 alleles (0.0033%); highest among the groups gnomAD compares: Non-Finnish European, 0.0035%; no homozygotes.

Submissions (4):

PreventionGenetics, part of Exact Sciences
Classification: Uncertain significance for ZNF423-related condition. Last evaluated: 2026-07-10. Review status: criteria provided, single submitter. Criteria: ACMG Guidelines, 2015. Collection method: clinical testing. Allele origin: germline.
Comment: The ZNF423 c.2597C>T variant is predicted to result in the amino acid substitution p.Pro866Leu. To our knowledge, this variant has not been reported in the literature. This variant is reported in 0.0033% of alleles in individuals of South Asian descent in gnomAD. At this time, the clinical significance of this variant is uncertain due to the absence of conclusive functional and genetic evidence.

Ambry Genetics
Classification: Uncertain significance. Last evaluated: 2025-07-01. Review status: criteria provided, single submitter. Criteria: Ambry Variant Classification Scheme 2023. Collection method: clinical testing. Allele origin: germline.

Women's Health and Genetics/Laboratory Corporation of America, LabCorp
Classification: Uncertain significance. Last evaluated: 2023-12-11. Review status: criteria provided, single submitter. Criteria: LabCorp Variant Classification Summary - May 2015. Collection method: clinical testing. Allele origin: germline.
Comment: Variant summary: ZNF423 c.2597C>T (p.Pro866Leu) results in a non-conservative amino acid change located in the Zinc finger C2H2-type domain (IPR013087) of the encoded protein sequence. Three of five in-silico tools predict a benign effect of the variant on protein function. The variant allele was found at a frequency of 1.6e-05 in 251242 control chromosomes (gnomAD). The available data on variant occurrences in the general population are insufficient to allow any conclusion about variant significance. To our knowledge, no occurrence of c.2597C>T in individuals affected with ZNF423-Related Disorders and no experimental evidence demonstrating its impact on protein function have been reported. One submitter has cited clinical-significance assessments for this variant to ClinVar after 2014 and has classified the variant as uncertain significance. Based on the evidence outlined above, the variant was classified as uncertain significance.

Labcorp Genetics (formerly Invitae), Labcorp
Classification: Uncertain significance for Nephronophthisis 14. Last evaluated: 2019-10-31. Review status: criteria provided, single submitter. Criteria: Invitae Variant Classification Sherloc (09022015). Collection method: clinical testing. Allele origin: germline.
Comment: This sequence change replaces proline with leucine at codon 866 of the ZNF423 protein (p.Pro866Leu). The proline residue is highly conserved and there is a moderate physicochemical difference between proline and leucine. This variant is not present in population databases (ExAC no frequency). In summary, the available evidence is currently insufficient to determine the role of this variant in disease. Therefore, it has been classified as a Variant of Uncertain Significance. Algorithms developed to predict the effect of missense changes on protein structure and function (SIFT, PolyPhen-2, Align-GVGD) all suggest that this variant is likely to be tolerated, but these predictions have not been confirmed by published functional studies and their clinical significance is uncertain. This variant has not been reported in the literature in individuals with ZNF423-related conditions.

NM_001379286.1(ZNF423):c.2621C>T (p.Pro874Leu)

Gene: ZNF423 (zinc finger protein 423; minus strand). Cytogenetic location: 16q12.1.
Variant type: single nucleotide variant.
Coding change: c.2621C>T on transcript NM_001379286.1 (MANE Select); coding-DNA position 2621, C replaced by T.
Protein change: p.Pro874Leu; replaces proline 874 with leucine.
Molecular consequence: missense variant.
Genome position (GRCh38, 1-based): chr16:49,636,555, G>A on the plus strand (C>T on the coding strand, the complement: ZNF423 is on the minus strand). VCF-style: chr16-49636555-G-A. GRCh37 (hg19) VCF-style: chr16-49670466-G-A.
Other names: c.2417C>T, p.Pro806Leu (NM_001271620.2); c.2246C>T, p.Pro749Leu (NM_001330533.2); c.2597C>T, p.Pro866Leu (NM_015069.5); c.2597C>T (NM_015069.2, NM_015069.4); short protein forms P749L, P806L, P866L, P874L.
Identifiers: ClinVar variation 956776 (VCV000956776.12), dbSNP rs959264947, ClinGen allele CA281211580.